The following is an entry in ClinVar:

ClinVar aggregate classification (germline): Conflicting classifications of pathogenicity. Review status: criteria provided, conflicting classifications (1 of 4 stars). 3 submissions from 3 submitters: Uncertain significance (2); Likely benign (1). Last evaluated 2024-11-01.

Conditions:
Oculofaciocardiodental syndrome (MCOPS2). Identifiers: Orphanet 2712, MedGen C1846265, MONDO:0010261, OMIM 300166.

Allele frequency attached by ClinVar (database versions not stated): gnomAD 0.00002; gnomAD exomes 0.00002 and 0.00004; TOPMed 0.00002; ExAC 0.00005; ESP Exome Variant Server 0.00009.
gnomAD v4.1: 46 of 1,209,798 alleles (0.0038%); highest among the groups gnomAD compares: Non-Finnish European, 0.0046%; no homozygotes.

Submissions (3):

CeGaT Center for Human Genetics Tuebingen
Classification: Likely benign. Last evaluated: 2024-11-01. Review status: criteria provided, single submitter. Criteria: CeGaT Center For Human Genetics Tuebingen Variant Classification Criteria Version 2. Collection method: clinical testing. Allele origin: germline. Affected: yes. Observed: 1 variant allele.
Comment: BCOR: BS2

Labcorp Genetics (formerly Invitae), Labcorp
Classification: Uncertain significance for Oculofaciocardiodental syndrome. Last evaluated: 2024-07-16. Review status: criteria provided, single submitter. Criteria: Invitae Variant Classification Sherloc (09022015). Collection method: clinical testing. Allele origin: germline.
Comment: This sequence change replaces methionine, which is neutral and non-polar, with isoleucine, which is neutral and non-polar, at codon 217 of the BCOR protein (p.Met217Ile). This variant is present in population databases (rs368939471, gnomAD 0.003%). This variant has not been reported in the literature in individuals affected with BCOR-related conditions. ClinVar contains an entry for this variant (Variation ID: 931573). An algorithm developed to predict the effect of missense changes on protein structure and function (PolyPhen-2) suggests that this variant¬†is likely to be tolerated. In summary, the available evidence is currently insufficient to determine the role of this variant in disease. Therefore, it has been classified as a Variant of Uncertain Significance.

Centre for Mendelian Genomics, University Medical Centre Ljubljana
Classification: Uncertain significance for Oculofaciocardiodental syndrome. Last evaluated: 2019-07-08. Review status: criteria provided, single submitter. Criteria: ACMG Guidelines, 2015. Collection method: clinical testing. Allele origin: unknown. Affected: yes.
Comment: This variant was classified as: Uncertain significance. The available evidence on this variant's pathogenicity is insufficient or conflicting. The following ACMG criteria were applied in classifying this variant: PP3.

NM_001123385.2(BCOR):c.651G>A (p.Met217Ile)

Genes: BCOR (BCL6 corepressor; minus strand), LOC126863239 (MED14-independent group 3 enhancer GRCh37_chrX:39932994-39934193; plus strand). Cytogenetic location: Xp11.4.
Variant type: single nucleotide variant.
Coding change: c.651G>A on transcript NM_001123385.2 (MANE Select); coding-DNA position 651, G replaced by A.
Protein change: p.Met217Ile; replaces methionine 217 with isoleucine.
Molecular consequence: missense variant.
Genome position (GRCh38, 1-based): chrX:40,074,695, C>T on the plus strand (G>A on the coding strand, the complement: BCOR is on the minus strand). VCF-style: chrX-40074695-C-T. GRCh37 (hg19) VCF-style: chrX-39933948-C-T.
Other names: c.651G>A, p.Met217Ile (NM_001123383.2, NM_001123384.2, NM_017745.6); short protein forms M217I.
Identifiers: ClinVar variation 931573 (VCV000931573.21), dbSNP rs368939471, ClinGen allele CA10387023.